The following is an entry in ClinVar:

NM_001042492.3(NF1):c.4336C>T (p.Leu1446Phe)

Gene: NF1 (neurofibromin 1; plus strand). Cytogenetic location: 17q11.2.
Variant type: single nucleotide variant.
Coding change: c.4336C>T on transcript NM_001042492.3 (MANE Select); coding-DNA position 4336, C replaced by T.
Protein change: p.Leu1446Phe; replaces leucine 1446 with phenylalanine.
Molecular consequence: missense variant.
Genome position (GRCh38, 1-based): chr17:31,259,035, C>T. VCF-style: chr17-31259035-C-T. GRCh37 (hg19) VCF-style: chr17-29586053-C-T.
Other names: c.4273C>T, p.Leu1425Phe (NM_000267.4); short protein forms L1425F, L1446F.
Identifiers: ClinVar variation 484082 (VCV000484082.11), dbSNP rs1555618639, ClinGen allele CA398998689.
Genomic context (GRCh38, chr17:31,259,035, plus strand): 5'-GTATAGACTTCATACAATAAATAATCTGATTATTTATAACCCTGTTTTATTGTGTAGATA[C>T]TTCAGAGTATTGCCAATCATGTTCTCTTCACAAAAGAAGAACATATGCGGCCTTTCAATG-3'
Protein context (NP_001035957.1, residues 1436-1456): ERGLKLMSKI[Leu1446Phe]QSIANHVLFT

ClinVar aggregate classification (germline): Uncertain significance. Review status: criteria provided, multiple submitters, no conflicts (2 of 4 stars). 3 submissions from 3 submitters: Uncertain significance (3). Last evaluated 2024-06-17.

Conditions:
Cardiovascular phenotype. Identifiers: MedGen CN230736.
Hereditary cancer-predisposing syndrome. Also called: Hereditary neoplastic syndrome; Neoplastic Syndromes, Hereditary; Tumor predisposition; Hereditary Cancer Syndrome. Identifiers: Orphanet 140162, MedGen C0027672, MeSH D009386, MONDO:0015356.
Neurofibromatosis, type 1 (NF1). Also called: VON RECKLINGHAUSEN DISEASE; Peripheral type neurofibromatosis; NEUROFIBROMATOSIS, TYPE I, SOMATIC; Neurofibromatosis, type I. Identifiers: Orphanet 636, MedGen C0027831, MONDO:0018975, OMIM 162200. Disease mechanism: loss of function.

Submissions (3):

Labcorp Genetics (formerly Invitae), Labcorp
Classification: Uncertain significance for Neurofibromatosis, type 1. Last evaluated: 2024-06-17. Review status: criteria provided, single submitter. Criteria: Invitae Variant Classification Sherloc (09022015). Collection method: clinical testing. Allele origin: germline.
Comment: This sequence change replaces leucine, which is neutral and non-polar, with phenylalanine, which is neutral and non-polar, at codon 1425 of the NF1 protein (p.Leu1425Phe). This variant is not present in population databases (gnomAD no frequency). This variant has not been reported in the literature in individuals affected with NF1-related conditions. ClinVar contains an entry for this variant (Variation ID: 484082). Advanced modeling of protein sequence and biophysical properties (such as structural, functional, and spatial information, amino acid conservation, physicochemical variation, residue mobility, and thermodynamic stability) performed at Invitae indicates that this missense variant is expected to disrupt NF1 protein function with a positive predictive value of 95%. This variant disrupts the p.Leu1425 amino acid residue in NF1. Other variant(s) that disrupt this residue have been determined to be pathogenic (Invitae). This suggests that this residue is clinically significant, and that variants that disrupt this residue are likely to be disease-causing. In summary, the available evidence is currently insufficient to determine the role of this variant in disease. Therefore, it has been classified as a Variant of Uncertain Significance.

Ambry Genetics
Classification: Uncertain significance for Cardiovascular phenotype; Hereditary cancer-predisposing syndrome. Last evaluated: 2022-08-26. Review status: criteria provided, single submitter. Criteria: Ambry Variant Classification Scheme 2023. Collection method: clinical testing. Allele origin: germline.
Comment: The p.L1425F variant (also known as c.4273C>T), located in coding exon 32 of the NF1 gene, results from a C to T substitution at nucleotide position 4273. The leucine at codon 1425 is replaced by phenylalanine, an amino acid with highly similar properties. This amino acid position is highly conserved in available vertebrate species. In addition, this alteration is predicted to be deleterious by in silico analysis. Since supporting evidence is limited at this time, the clinical significance of this alteration remains unclear.

Genome-Nilou Lab
Classification: Uncertain significance for Neurofibromatosis, type 1. Last evaluated: 2022-03-15. Review status: criteria provided, single submitter. Criteria: ACMG Guidelines, 2015. Collection method: clinical testing. Allele origin: germline. Affected: no.